The following is an entry in ClinVar:

ClinVar aggregate classification (germline): Uncertain significance (1 of 4 stars; one submission).

Conditions:
Neurofibromatosis, type 1 (NF1). Also called: VON RECKLINGHAUSEN DISEASE; NEUROFIBROMATOSIS, TYPE I, SOMATIC; Neurofibromatosis, type I; Peripheral type neurofibromatosis. Identifiers: Orphanet 636, MedGen C0027831, MONDO:0018975, OMIM 162200. Disease mechanism: loss of function.

Submission:

Labcorp Genetics (formerly Invitae), Labcorp
Classification: Uncertain significance for Neurofibromatosis, type 1. Last evaluated: 2023-01-29. Review status: criteria provided, single submitter. Criteria: Invitae Variant Classification Sherloc (09022015). Collection method: clinical testing. Allele origin: germline.
Comment: In summary, the available evidence is currently insufficient to determine the role of this variant in disease. Therefore, it has been classified as a Variant of Uncertain Significance. Advanced modeling of protein sequence and biophysical properties (such as structural, functional, and spatial information, amino acid conservation, physicochemical variation, residue mobility, and thermodynamic stability) has been performed at Invitae for this missense variant, however the output from this modeling did not meet the statistical confidence thresholds required to predict the impact of this variant on NF1 protein function. This variant has not been reported in the literature in individuals affected with NF1-related conditions. This variant is not present in population databases (gnomAD no frequency). This sequence change replaces arginine, which is basic and polar, with serine, which is neutral and polar, at codon 2390 of the NF1 protein (p.Arg2390Ser).

NM_001042492.3(NF1):c.7233A>T (p.Arg2411Ser)

Gene: NF1 (neurofibromin 1; plus strand). Cytogenetic location: 17q11.2.
Variant type: single nucleotide variant.
Coding change: c.7233A>T on transcript NM_001042492.3 (MANE Select); coding-DNA position 7233, A replaced by T.
Protein change: p.Arg2411Ser; replaces arginine 2411 with serine.
Molecular consequence: missense variant.
Genome position (GRCh38, 1-based): chr17:31,349,163, A>T. VCF-style: chr17-31349163-A-T. GRCh37 (hg19) VCF-style: chr17-29676181-A-T.
Other names: c.7170A>T, p.Arg2390Ser (NM_000267.4); short protein forms R2411S, R2390S.
Identifiers: ClinVar variation 2832810 (VCV002832810.3), dbSNP rs1597858430, ClinGen allele CA399016739.